The following is an entry in ClinVar:

ClinVar aggregate classification (germline): Benign/Likely benign. Review status: criteria provided, multiple submitters, no conflicts (2 of 4 stars). 2 submissions from 2 submitters: Benign (1); Likely benign (1). Last evaluated 2025-10-24.

Conditions:
ARNT2-related disorder. Also called: ARNT2-related condition.

Allele frequency attached by ClinVar (database versions not stated): gnomAD exomes 0.00013 and 0.00038; ExAC 0.00041; gnomAD 0.00146 and 0.00155; TOPMed 0.00148; 1000 Genomes Project 0.00180; ESP Exome Variant Server 0.00192; 1000 Genomes Project 30x 0.00203.
gnomAD v4.1: 406 of 1,614,068 alleles (0.025%); highest among the groups gnomAD compares: African/African-American, 0.47%; 1 homozygote.

Submissions (2):

Labcorp Genetics (formerly Invitae), Labcorp
Classification: Benign. Last evaluated: 2025-10-24. Review status: criteria provided, single submitter. Criteria: Invitae Variant Classification Sherloc (09022015). Collection method: clinical testing. Allele origin: germline.

PreventionGenetics, part of Exact Sciences
Classification: Likely benign for ARNT2-related condition. Last evaluated: 2025-05-08. Review status: criteria provided, single submitter. Criteria: ACMG Guidelines, 2015. Collection method: clinical testing. Allele origin: germline.
Comment: This variant is classified as likely benign based on ACMG/AMP sequence variant interpretation guidelines (Richards et al. 2015 PMID: 25741868, with internal and published modifications).

NM_014862.4(ARNT2):c.1911A>G (p.Pro637=)

Genes: ARNT2 (aryl hydrocarbon receptor nuclear translocator 2; plus strand), ARNT2-AS1 (ARNT2 antisense RNA 1; minus strand). Cytogenetic location: 15q25.1.
Variant type: single nucleotide variant.
Coding change: c.1911A>G on transcript NM_014862.4 (MANE Select); coding-DNA position 1911, A replaced by G.
Protein change: p.Pro637=; no amino-acid change (proline 637 retained).
Molecular consequence: synonymous variant.
Genome position (GRCh38, 1-based): chr15:80,581,397, A>G. VCF-style: chr15-80581397-A-G. GRCh37 (hg19) VCF-style: chr15-80873738-A-G.
Identifiers: ClinVar variation 729690 (VCV000729690.10), dbSNP rs149060355, ClinGen allele CA7692206.